The following is an entry in ClinVar:

NM_004369.4(COL6A3):c.6686C>T (p.Ala2229Val)

Gene: COL6A3 (collagen type VI alpha 3 chain; minus strand). Cytogenetic location: 2q37.3.
Variant type: single nucleotide variant.
Coding change: c.6686C>T on transcript NM_004369.4 (MANE Select); coding-DNA position 6686, C replaced by T.
Protein change: p.Ala2229Val; replaces alanine 2229 with valine.
Molecular consequence: missense variant.
Genome position (GRCh38, 1-based): chr2:237,353,345, G>A on the plus strand (C>T on the coding strand, the complement: COL6A3 is on the minus strand). VCF-style: chr2-237353345-G-A. GRCh37 (hg19) VCF-style: chr2-238261988-G-A.
Other names: c.4865C>T, p.Ala1622Val (NM_057166.5); c.6068C>T, p.Ala2023Val (NM_057167.4); short protein forms A2023V, A2229V, A1622V.
Identifiers: ClinVar variation 4731335 (VCV004731335.1).

ClinVar aggregate classification (germline): Uncertain significance (1 of 4 stars; one submission).

Conditions:
Bethlem myopathy 1A. Also called: MYOPATHY, BENIGN CONGENITAL, WITH CONTRACTURES; Bethlem myopathy 1; Bethlem Muscular Dystrophy. Identifiers: Orphanet 610, MedGen CN029274, MONDO:0024530, OMIM 158810.

gnomAD v4.1: 4 of 1,614,062 alleles (0.00025%); highest among the groups gnomAD compares: Non-Finnish European, 0.00025%; no homozygotes.

Submission:

Labcorp Genetics (formerly Invitae), Labcorp
Classification: Uncertain significance for Bethlem myopathy 1A. Last evaluated: 2025-03-17. Review status: criteria provided, single submitter. Criteria: Invitae Variant Classification Sherloc (09022015). Collection method: clinical testing. Allele origin: germline.
Comment: This sequence change replaces alanine, which is neutral and non-polar, with valine, which is neutral and non-polar, at codon 2229 of the COL6A3 protein (p.Ala2229Val). This variant is present in population databases (no rsID available, gnomAD 0.0009%). This variant has not been reported in the literature in individuals affected with COL6A3-related conditions. Invitae Evidence Modeling of protein sequence and biophysical properties (such as structural, functional, and spatial information, amino acid conservation, physicochemical variation, residue mobility, and thermodynamic stability) indicates that this missense variant is not expected to disrupt COL6A3 protein function with a negative predictive value of 80%. In summary, the available evidence is currently insufficient to determine the role of this variant in disease. Therefore, it has been classified as a Variant of Uncertain Significance.